The following is an entry in ClinVar:

NM_018668.5(VPS33B):c.357G>A (p.Lys119=)

Gene: VPS33B (VPS33B late endosome and lysosome associated; minus strand). Cytogenetic location: 15q26.1.
Variant type: single nucleotide variant.
Coding change: c.357G>A on transcript NM_018668.5 (MANE Select); coding-DNA position 357, G replaced by A.
Protein change: p.Lys119=; no amino-acid change (lysine 119 retained).
Molecular consequence: synonymous variant.
Genome position (GRCh38, 1-based): chr15:91,013,804, C>T on the plus strand (G>A on the coding strand, the complement: VPS33B is on the minus strand). VCF-style: chr15-91013804-C-T. GRCh37 (hg19) VCF-style: chr15-91557034-C-T.
Other names: p.Lys119=; c.276G>A, p.Lys92= (NM_001289148.1); c.84G>A, p.Lys28= (NM_001289149.1).
Identifiers: ClinVar variation 197837 (VCV000197837.30), dbSNP rs146758743, ClinGen allele CA203118.
Genomic context (GRCh38, chr15:91,013,804, plus strand): 5'-CCCTGCCCGGTCCTCAGTCCTGTTCTACCTTATCCCACTTCCTCCAGGATCCAAACTCAC[C>T]TTTTGAGGGCTGAAGATCACTTTGTATTTGCGAGTTCGGCCAGCCAATTTGTCAGCATTG-3'
Protein context (NP_061138.3, residues 109-129): RKYKVIFSPQ[Lys119=]FYACEMVLEE

ClinVar aggregate classification (germline): Benign/Likely benign. Review status: criteria provided, multiple submitters, no conflicts (2 of 4 stars). 9 submissions from 9 submitters: Benign (4); Likely benign (3). 2 of the submissions do not count toward it. Last evaluated 2026-02-03.

Conditions:
Arthrogryposis, renal dysfunction, and cholestasis 1 (ARCS1). Identifiers: Orphanet 2697, MedGen C1859722, MONDO:0008822, OMIM 208085.

Allele frequency attached by ClinVar (database versions not stated): ESP Exome Variant Server 0.00100; gnomAD 0.00119 and 0.00120; 1000 Genomes Project 0.00160; ExAC 0.00200; 1000 Genomes Project 30x 0.00203; gnomAD exomes 0.00206; TOPMed 0.00216.
gnomAD v4.1: 2,052 of 1,614,162 alleles (0.13%); highest among the groups gnomAD compares: Admixed American, 0.75%; 5 homozygotes.

Submissions (22):

Labcorp Genetics (formerly Invitae), Labcorp
Classification: Benign. Last evaluated: 2026-02-03. Review status: criteria provided, single submitter. Criteria: Invitae Variant Classification Sherloc (09022015). Collection method: clinical testing. Allele origin: germline.

CeGaT Center for Human Genetics Tuebingen
Classification: Likely benign. Last evaluated: 2026-02-01. Review status: criteria provided, single submitter. Criteria: CeGaT Center For Human Genetics Tuebingen Variant Classification Criteria Version 2. Collection method: clinical testing. Allele origin: germline. Affected: yes. Observed: 2 variant alleles.
Comment: VPS33B: BP4, BS1

Mayo Clinic Laboratories, Mayo Clinic
Classification: Benign. Last evaluated: 2025-01-27. Review status: criteria provided, single submitter. Criteria: ACMG Guidelines, 2015. Collection method: clinical testing. Allele origin: germline. Observed: 2 variant alleles.
Comment: BS1, BS2, BP4, BP7

Blueprint Genetics
Classification: Likely benign. Last evaluated: 2024-09-03. Review status: criteria provided, single submitter. Criteria: ACMG Guidelines, 2015. Collection method: clinical testing. Allele origin: germline.

Illumina Laboratory Services, Illumina
Classification: Benign for Arthrogryposis, renal dysfunction, and cholestasis 1. Last evaluated: 2018-01-13. Review status: criteria provided, single submitter. Criteria: ICSL Variant Classification Criteria 13 December 2019. Collection method: clinical testing. Allele origin: germline.
Comment: This variant was observed in the ICSL laboratory as part of a predisposition screen in an ostensibly healthy population. It had not been previously curated by ICSL or reported in the Human Gene Mutation Database (HGMD: prior to June 1st, 2018), and was therefore a candidate for classification through an automated scoring system. Utilizing variant allele frequency, disease prevalence and penetrance estimates, and inheritance mode, an automated score was calculated to assess if this variant is too frequent to cause the disease. Based on the score and internal cut-off values, a variant classified as benign is not then subjected to further curation. The score for this variant resulted in a classification of benign for this disease.

Eurofins Ntd Llc (ga)
Classification: Likely benign. Last evaluated: 2014-10-02. Review status: criteria provided, single submitter. Criteria: EGL Classification Definitions 2015. Collection method: clinical testing. Allele origin: germline. Observed: 1 variant allele, 1 heterozygote.

PreventionGenetics, part of Exact Sciences
Classification: Benign. Review status: criteria provided, single submitter. Criteria: ACMG Guidelines, 2015. Collection method: clinical testing. Allele origin: germline.

Dr. Peter K. Rogan Lab, Western University
No classification provided (evidence only). Condition: Clear cell carcinoma of kidney. Review status: no classification provided. Collection method: in vitro. Allele origin: not applicable. Functional consequence: retained intron. Not counted in ClinVar's aggregate classification.

Dr. Peter K. Rogan Lab, Western University
No classification provided (evidence only). Condition: Lung cancer. Review status: no classification provided. Collection method: in vitro. Allele origin: not applicable. Functional consequence: retained intron. Not counted in ClinVar's aggregate classification.

Dr. Peter K. Rogan Lab, Western University
No classification provided (evidence only). Condition: Melanoma. Review status: no classification provided. Collection method: in vitro. Allele origin: not applicable. Functional consequence: skipped exon, retained intron. Not counted in ClinVar's aggregate classification.

Dr. Peter K. Rogan Lab, Western University
No classification provided (evidence only). Condition: Melanoma. Review status: no classification provided. Collection method: in vitro. Allele origin: not applicable. Functional consequence: skipped exon. Not counted in ClinVar's aggregate classification.

Dr. Peter K. Rogan Lab, Western University
No classification provided (evidence only). Condition: Familial cancer of breast. Review status: no classification provided. Collection method: in vitro. Allele origin: not applicable. Functional consequence: skipped exon, retained intron. Not counted in ClinVar's aggregate classification.

Dr. Peter K. Rogan Lab, Western University
No classification provided (evidence only). Condition: Familial cancer of breast. Review status: no classification provided. Collection method: in vitro. Allele origin: not applicable. Functional consequence: retained intron. Not counted in ClinVar's aggregate classification.

Dr. Peter K. Rogan Lab, Western University
No classification provided (evidence only). Condition: Thyroid cancer, nonmedullary, 1. Review status: no classification provided. Collection method: in vitro. Allele origin: not applicable. Functional consequence: skipped exon, retained intron. Not counted in ClinVar's aggregate classification.

Dr. Peter K. Rogan Lab, Western University
No classification provided (evidence only). Condition: Sarcoma. Review status: no classification provided. Collection method: in vitro. Allele origin: not applicable. Functional consequence: skipped exon, retained intron. Not counted in ClinVar's aggregate classification.

Dr. Peter K. Rogan Lab, Western University
No classification provided (evidence only). Condition: Sarcoma. Review status: no classification provided. Collection method: in vitro. Allele origin: not applicable. Functional consequence: skipped exon, retained intron. Not counted in ClinVar's aggregate classification.

Dr. Peter K. Rogan Lab, Western University
No classification provided (evidence only). Condition: Hepatocellular carcinoma. Review status: no classification provided. Collection method: in vitro. Allele origin: not applicable. Functional consequence: skipped exon, retained intron. Not counted in ClinVar's aggregate classification.

Dr. Peter K. Rogan Lab, Western University
No classification provided (evidence only). Condition: Hepatocellular carcinoma. Review status: no classification provided. Collection method: in vitro. Allele origin: not applicable. Functional consequence: retained intron. Not counted in ClinVar's aggregate classification.

Dr. Peter K. Rogan Lab, Western University
No classification provided (evidence only). Condition: Nonpapillary renal cell carcinoma. Review status: no classification provided. Collection method: in vitro. Allele origin: not applicable. Functional consequence: retained intron. Not counted in ClinVar's aggregate classification.

Dr. Peter K. Rogan Lab, Western University
No classification provided (evidence only). Condition: Gastric cancer. Review status: no classification provided. Collection method: in vitro. Allele origin: not applicable. Functional consequence: retained intron. Not counted in ClinVar's aggregate classification.

Genome Diagnostics Laboratory, University Medical Center Utrecht
Classification: Likely benign. Review status: no assertion criteria provided. Collection method: clinical testing. Allele origin: germline. Affected: yes. Study: VKGL Data-share Consensus. Not counted in ClinVar's aggregate classification.

Laboratory of Diagnostic Genome Analysis, Leiden University Medical Center (LUMC)
Classification: Likely benign. Review status: no assertion criteria provided. Collection method: clinical testing. Allele origin: germline. Affected: yes. Study: VKGL Data-share Consensus. Not counted in ClinVar's aggregate classification.